The following is an entry in ClinVar:

ClinVar aggregate classification (germline): Uncertain significance (1 of 4 stars; one submission).

Conditions:
Primary dilated cardiomyopathy (DCM). Also called: Dilated Cardiomyopathy. Identifiers: Orphanet 217604, MedGen C0007193, MeSH D002311, MONDO:0005021, HP:0001644. Inheritance: Various modes of inheritance.

Submission:

Labcorp Genetics (formerly Invitae), Labcorp
Classification: Uncertain significance for Primary dilated cardiomyopathy. Last evaluated: 2019-03-09. Review status: criteria provided, single submitter. Criteria: Invitae Variant Classification Sherloc (09022015). Collection method: clinical testing. Allele origin: germline.
Comment: In summary, the available evidence is currently insufficient to determine the role of this variant in disease. Therefore, it has been classified as a Variant of Uncertain Significance. The current clinical and genetic evidence is not sufficient to establish whether loss-of-function variants in NEBL cause disease. Algorithms developed to predict the effect of sequence changes on RNA splicing suggest that this variant may disrupt the consensus splice site, but this prediction has not been confirmed by published transcriptional studies. This variant has not been reported in the literature in individuals with NEBL-related disease. This variant is not present in population databases (ExAC no frequency). This sequence change affects a donor splice site in intron 9 of the NEBL gene. It is expected to disrupt RNA splicing and likely results in an absent or disrupted protein product.

NM_006393.3(NEBL):c.903+2del

Gene: NEBL (nebulette; minus strand). Cytogenetic location: 10p12.31.
Variant type: Deletion.
Coding change: c.903+2del on transcript NM_006393.3 (MANE Select); the canonical splice donor site of the intron after coding-DNA position 903, one base deleted (T; older notation c.903+2delT).
Molecular consequence: splice donor variant. On other transcripts: intron variant (9).
Genome position (GRCh38, 1-based): chr10:20,858,238, A deleted on the plus strand (T on the coding strand, the reverse complement: NEBL is on the minus strand). VCF-style (leftmost placement, unchanged base first): chr10-20858237-TA-T. GRCh37 (hg19) VCF-style: chr10-21147166-TA-T.
Other names: c.903+2delT (NM_006393.2); c.250-45298del (NM_001377326.1, NM_001377327.1, NM_001377328.1); c.358-45298del (NM_213569.2, NM_001173484.2, NM_001377322.1); c.301-45298del (NM_001377324.1); c.292-45298del (NM_001377325.1); c.310-45298del (NM_001377323.1).
Identifiers: ClinVar variation 656406 (VCV000656406.9), dbSNP rs1588839902, ClinGen allele CA915945865.
Genomic context (GRCh38, chr10:20,858,237, plus strand): 5'-GCAGACATATTGGCTTCTTGGAGCCACAAGGCAACTACGGTTGCCGCTAGATGAACCACT[TA>T]CGCCGCTGAGCATTTTGCTGGCTTTCAAAACATGGTCTAAAAACAACAAATTTGGGAGAT-3'